The following is an entry in ClinVar:

ClinVar aggregate classification (germline): Uncertain significance. Review status: criteria provided, multiple submitters, no conflicts (2 of 4 stars). 3 submissions from 3 submitters: Uncertain significance (3). Last evaluated 2025-09-23.

Conditions:
Fanconi anemia (FA). Also called: Fanconi's anemia. Identifiers: Orphanet 84, MedGen C0015625, MeSH D005199, MONDO:0019391.
Inborn genetic diseases. Identifiers: MedGen C0950123, MeSH D030342.

gnomAD v4.1: 1 of 1,551,362 alleles (0.000064%); no homozygotes.

Submissions (3):

Quest Diagnostics Nichols Institute San Juan Capistrano
Classification: Uncertain significance. Last evaluated: 2025-09-23. Review status: criteria provided, single submitter. Criteria: Quest Diagnostics criteria. Collection method: clinical testing. Allele origin: unknown.
Comment: The FANCA c.3988C>A (p.Leu1330Met) variant has not been reported in individuals with FANCA-related conditions in the published literature. This variant has not been reported in large, multi-ethnic general populations (Genome Aggregation Database). Analysis of this variant using bioinformatics tools for the prediction of the effect of amino acid changes on protein structure and function yielded conflicting predictions that this variant is benign or damaging. Based on the available information, we are unable to determine the clinical significance of this variant.

Ambry Genetics
Classification: Uncertain significance for Inborn genetic diseases. Last evaluated: 2024-11-25. Review status: criteria provided, single submitter. Criteria: Ambry Variant Classification Scheme 2023. Collection method: clinical testing. Allele origin: germline.
Comment: The p.L1330M variant (also known as c.3988C>A), located in coding exon 40 of the FANCA gene, results from a C to A substitution at nucleotide position 3988. The leucine at codon 1330 is replaced by methionine, an amino acid with highly similar properties. This amino acid position is conserved. In addition, the in silico prediction for this alteration is inconclusive. Based on the available evidence, the clinical significance of this variant remains unclear.

Labcorp Genetics (formerly Invitae), Labcorp
Classification: Uncertain significance for Fanconi anemia. Last evaluated: 2021-10-18. Review status: criteria provided, single submitter. Criteria: Invitae Variant Classification Sherloc (09022015). Collection method: clinical testing. Allele origin: germline.
Comment: This sequence change replaces leucine with methionine at codon 1330 of the FANCA protein (p.Leu1330Met). The leucine residue is highly conserved and there is a small physicochemical difference between leucine and methionine. This variant is not present in population databases (ExAC no frequency). This variant has not been reported in the literature in individuals affected with FANCA-related conditions. Algorithms developed to predict the effect of missense changes on protein structure and function output the following: SIFT: "Deleterious"; PolyPhen-2: "Possibly Damaging"; Align-GVGD: "Class C0". The methionine amino acid residue is found in multiple mammalian species, which suggests that this missense change does not adversely affect protein function. In summary, the available evidence is currently insufficient to determine the role of this variant in disease. Therefore, it has been classified as a Variant of Uncertain Significance.

NM_000135.4(FANCA):c.3988C>A (p.Leu1330Met)

Genes: FANCA (FA complementation group A; minus strand), ZNF276 (zinc finger protein 276; plus strand). Cytogenetic location: 16q24.3.
Variant type: single nucleotide variant.
Coding change: c.3988C>A on transcript NM_000135.4 (MANE Select); coding-DNA position 3988, C replaced by A.
Protein change: p.Leu1330Met; replaces leucine 1330 with methionine.
Molecular consequence: missense variant. On other transcripts: 3 prime UTR variant (2), non-coding transcript variant (4).
Genome position (GRCh38, 1-based): chr16:89,739,500, G>T on the plus strand (C>A on the coding strand, the complement: FANCA is on the minus strand). VCF-style: chr16-89739500-G-T. GRCh37 (hg19) VCF-style: chr16-89805908-G-T.
Other names: c.3988C>A, p.Leu1330Met (NM_001286167.3); c.*1254G>T (NM_001113525.2, NM_152287.4); c.3988C>A (NM_000135.3); short protein forms L1330M.
Identifiers: ClinVar variation 2062263 (VCV002062263.3), dbSNP rs2062068855, ClinGen allele CA397484779.
Genomic context (GRCh38, chr16:89,739,500, plus strand): 5'-CACTGCCCAGCCCTGACCAGCCCTGTGGGTGGAGGTACCTGTAAAAAGCGAAAGGCAGCA[G>T]CCTGGTGTGCTGATCCGGGGCCACACGGAGGAGGAGCCGCCCCAGCCTGAGGTCTGCAAC-3'
Protein context (NP_000126.2, residues 1320-1340): LRVAPDQHTR[Leu1330Met]LPFAFYSLLS